The following is an entry in ClinVar:

NM_033004.4(NLRP1):c.3839C>T (p.Pro1280Leu)

Gene: NLRP1 (NLR family pyrin domain containing 1; minus strand). Cytogenetic location: 17p13.2.
Variant type: single nucleotide variant.
Coding change: c.3839C>T on transcript NM_033004.4 (MANE Select); coding-DNA position 3839, C replaced by T.
Protein change: p.Pro1280Leu; replaces proline 1280 with leucine.
Molecular consequence: missense variant. On other transcripts: intron variant (2).
Genome position (GRCh38, 1-based): chr17:5,520,957, G>A on the plus strand (C>T on the coding strand, the complement: NLRP1 is on the minus strand). VCF-style: chr17-5520957-G-A. GRCh37 (hg19) VCF-style: chr17-5424277-G-A.
Other names: c.3851C>T, p.Pro1284Leu (NM_001033053.3); c.3749C>T, p.Pro1250Leu (NM_033006.4); c.3693+567C>T (NM_033007.4); c.3783+567C>T (NM_014922.5); short protein forms P1250L, P1280L, P1284L.
Identifiers: ClinVar variation 2974189 (VCV002974189.4), dbSNP rs768703621, ClinGen allele CA8326724.
Genomic context (GRCh38, chr17:5,520,957, plus strand): 5'-AGCATCCCTGAACCAGACCCAGACACAGTGTAACGACAGCCCATATAAAGTGGGGTCAGC[G>A]GGGGTGGCTTGTGGATTCGCACAAACTGGAATTTCATTTCTAGATCATCTATGGCCTACA-3'
Protein context (NP_127497.1, residues 1270-1290): FQFVRIHKPP[Pro1280Leu]LTPLYMGCRY

ClinVar aggregate classification (germline): Uncertain significance. Review status: criteria provided, multiple submitters, no conflicts (2 of 4 stars). 2 submissions from 2 submitters: Uncertain significance (2). Last evaluated 2025-12-02.

Allele frequency attached by ClinVar (database versions not stated): gnomAD exomes 0.00001; ExAC 0.00003; TOPMed 0.00003; gnomAD 0.00005.

Submissions (2):

Women's Health and Genetics/Laboratory Corporation of America, LabCorp
Classification: Uncertain significance. Last evaluated: 2025-12-02. Review status: criteria provided, single submitter. Criteria: LabCorp Variant Classification Summary - May 2015. Collection method: clinical testing. Allele origin: germline.
Comment: Variant summary: NLRP1 c.3839C>T (p.Pro1280Leu) results in a non-conservative amino acid change in the encoded protein sequence. Algorithms developed to predict the effect of missense changes on protein structure and function are either unavailable or do not agree on the potential impact of this missense change. The variant allele was found at a frequency of 2e-05 in 248366 control chromosomes. The available data on variant occurrences in the general population are insufficient to allow any conclusion about variant significance. To our knowledge, no occurrence of c.3839C>T in individuals affected with NLRP1-related conditions and no experimental evidence demonstrating its impact on protein function have been reported. ClinVar contains an entry for this variant (Variation ID: 2974189). Based on the evidence outlined above, the variant was classified as uncertain significance.

Labcorp Genetics (formerly Invitae), Labcorp
Classification: Uncertain significance. Last evaluated: 2023-04-17. Review status: criteria provided, single submitter. Criteria: Invitae Variant Classification Sherloc (09022015). Collection method: clinical testing. Allele origin: germline.
Comment: This sequence change replaces proline, which is neutral and non-polar, with leucine, which is neutral and non-polar, at codon 1280 of the NLRP1 protein (p.Pro1280Leu). This variant is present in population databases (rs768703621, gnomAD 0.01%). This variant has not been reported in the literature in individuals affected with NLRP1-related conditions. Algorithms developed to predict the effect of missense changes on protein structure and function output the following: SIFT: "Not Available"; PolyPhen-2: "Possibly Damaging"; Align-GVGD: "Not Available". The leucine amino acid residue is found in multiple mammalian species, which suggests that this missense change does not adversely affect protein function. In summary, the available evidence is currently insufficient to determine the role of this variant in disease. Therefore, it has been classified as a Variant of Uncertain Significance.